The following is an entry in ClinVar:

ClinVar aggregate classification (germline): Likely pathogenic. Review status: criteria provided, single submitter (1 of 4 stars). 3 submissions from 3 submitters: Likely pathogenic (1). 2 of the submissions do not count toward it. Last evaluated 2025-09-19.

Conditions:
Dyskeratosis congenita, autosomal recessive 6 (DKCB6). Identifiers: MedGen C4225356, MONDO:0014600, OMIM 616353.
Dyskeratosis congenita. Identifiers: Orphanet 1775, MedGen C0265965, MONDO:0015780.

Submissions (3):

3billion
Classification: Likely pathogenic for Dyskeratosis congenita, autosomal recessive 6. Last evaluated: 2025-09-19. Review status: criteria provided, single submitter. Criteria: ACMG Guidelines, 2015. Collection method: clinical testing. Allele origin: germline. Affected: yes.
Comment: The variant is not observed in the gnomAD v4.1.0 dataset. Predicted Consequence/Location: Missense variant. The majority of the known disease-causing variants of this gene are variants expected to result in premature termination of the protein. Functional studies provide moderate evidence of the variant having a damaging effect on the gene or gene product (PMID: 25893599). In silico tool prediction suggests damaging effect of the variant on gene or gene product [REVEL: 0.87 (>=0.6, sensitivity 0.68 and specificity 0.92)]. The same nucleotide change resulting in the same amino acid change has been previously reported to be associated with PARN-related disorder (ClinVar ID: VCV000180661 /PMID: 25893599). Therefore, this variant is classified as Likely pathogenic according to the recommendation of ACMG/AMP guideline.

OMIM
Classification: Pathogenic for DYSKERATOSIS CONGENITA, AUTOSOMAL RECESSIVE 6. Last evaluated: 2015-05-01. Review status: no assertion criteria provided. Collection method: literature only. Allele origin: germline. Not counted in ClinVar's aggregate classification.

Bone Marrow Failure laboratory, Queen Mary University London
Classification: Pathogenic for Dyskeratosis congenita. Last evaluated: 2015-01-28. Review status: no assertion criteria provided. Collection method: research. Allele origin: germline. Affected: yes. Observed: 4 variant alleles, 2 homozygotes. Not counted in ClinVar's aggregate classification.

Literature cited by the submitters: PubMed 25893599 (cited by 3billion and OMIM).

NM_002582.4(PARN):c.1148C>T (p.Ala383Val)

Gene: PARN (poly(A)-specific ribonuclease; minus strand). Cytogenetic location: 16p13.12.
Variant type: single nucleotide variant.
Coding change: c.1148C>T on transcript NM_002582.4 (MANE Select); coding-DNA position 1148, C replaced by T.
Protein change: p.Ala383Val; replaces alanine 383 with valine.
Molecular consequence: missense variant.
Genome position (GRCh38, 1-based): chr16:14,582,225, G>A on the plus strand (C>T on the coding strand, the complement: PARN is on the minus strand). VCF-style: chr16-14582225-G-A. GRCh37 (hg19) VCF-style: chr16-14676082-G-A.
Other names: c.1148C>T, p.Ala383Val (LRG_1286t1); c.965C>T, p.Ala322Val (NM_001134477.3); c.1010C>T, p.Ala337Val (NM_001242992.2); short protein forms A383V, A322V, A337V.
Identifiers: ClinVar variation 180661 (VCV000180661.2), dbSNP rs786200999, ClinGen allele CA250319.